The following is an entry in ClinVar:

NM_018136.5(ASPM):c.5351A>G (p.Tyr1784Cys)

Gene: ASPM (assembly factor for spindle microtubules; minus strand). Cytogenetic location: 1q31.3.
Variant type: single nucleotide variant.
Coding change: c.5351A>G on transcript NM_018136.5 (MANE Select); coding-DNA position 5351, A replaced by G.
Protein change: p.Tyr1784Cys; replaces tyrosine 1784 with cysteine.
Molecular consequence: missense variant. On other transcripts: intron variant (1).
Genome position (GRCh38, 1-based): chr1:197,103,900, T>C on the plus strand (A>G on the coding strand, the complement: ASPM is on the minus strand). VCF-style: chr1-197103900-T-C. GRCh37 (hg19) VCF-style: chr1-197073030-T-C.
Other names: c.5351A>G (NM_018136.4); c.4066-7736A>G (NM_001206846.2); short protein forms Y1784C.
Identifiers: ClinVar variation 288754 (VCV000288754.11), dbSNP rs149376906, ClinGen allele CA1309774.

ClinVar aggregate classification (germline): Uncertain significance. Review status: criteria provided, multiple submitters, no conflicts (2 of 4 stars). 5 submissions from 5 submitters: Uncertain significance (5). Last evaluated 2026-03-25.

Conditions:
Inborn genetic diseases. Identifiers: MedGen C0950123, MeSH D030342.
Microcephaly 5, primary, autosomal recessive (MCPH5). Also called: ASPM Primary Microcephaly. Identifiers: Orphanet 2512, MedGen C1837501, MONDO:0012106, OMIM 608716.

Allele frequency attached by ClinVar (database versions not stated): gnomAD 0.00004; ExAC 0.00001; TOPMed 0.00005; 1000 Genomes Project 0.00020; 1000 Genomes Project 30x 0.00031.
gnomAD v4.1: 160 of 1,612,806 alleles (0.0099%); highest among the groups gnomAD compares: Non-Finnish European, 0.012%; no homozygotes.

Submissions (5):

Ambry Genetics
Classification: Uncertain significance for Inborn genetic diseases. Last evaluated: 2026-03-25. Review status: criteria provided, single submitter. Criteria: Ambry Variant Classification Scheme 2023. Collection method: clinical testing. Allele origin: germline.
Comment: The c.5351A>G (p.Y1784C) alteration is located in exon 18 (coding exon 18) of the ASPM gene. This alteration results from a A to G substitution at nucleotide position 5351, causing the tyrosine (Y) at amino acid position 1784 to be replaced by a cysteine (C). Based on data from gnomAD, the G allele has an overall frequency of 0.003% (7/281504) total alleles studied. The highest observed frequency was 0.005% (6/128234) of European (non-Finnish) alleles. This amino acid position is not well conserved in available vertebrate species. This alteration is predicted to be tolerated by in silico analysis. Based on insufficient or conflicting evidence, the clinical significance of this alteration remains unclear.

Labcorp Genetics (formerly Invitae), Labcorp
Classification: Uncertain significance. Last evaluated: 2025-12-01. Review status: criteria provided, single submitter. Criteria: Invitae Variant Classification Sherloc (09022015). Collection method: clinical testing. Allele origin: germline.
Comment: This sequence change replaces tyrosine, which is neutral and polar, with cysteine, which is neutral and slightly polar, at codon 1784 of the ASPM protein (p.Tyr1784Cys). This variant is present in population databases (rs149376906, gnomAD 0.004%). This variant has not been reported in the literature in individuals affected with ASPM-related conditions. ClinVar contains an entry for this variant (Variation ID: 288754). Invitae Evidence Modeling of protein sequence and biophysical properties (such as structural, functional, and spatial information, amino acid conservation, physicochemical variation, residue mobility, and thermodynamic stability) indicates that this missense variant is not expected to disrupt ASPM protein function with a negative predictive value of 80%. In summary, the available evidence is currently insufficient to determine the role of this variant in disease. Therefore, it has been classified as a Variant of Uncertain Significance.

Genome-Nilou Lab
Classification: Uncertain significance for Microcephaly 5, primary, autosomal recessive. Last evaluated: 2023-04-11. Review status: criteria provided, single submitter. Criteria: ACMG Guidelines, 2015. Collection method: clinical testing. Allele origin: germline. Affected: no.

Fulgent Genetics
Classification: Uncertain significance for Microcephaly 5, primary, autosomal recessive. Last evaluated: 2018-10-31. Review status: criteria provided, single submitter. Criteria: ACMG Guidelines, 2015. Collection method: clinical testing. Allele origin: unknown.

Eurofins Ntd Llc (ga)
Classification: Uncertain significance. Last evaluated: 2016-07-12. Review status: criteria provided, single submitter. Criteria: EGL Classification Definitions 2015. Collection method: clinical testing. Allele origin: germline. Observed: 1 variant allele, 1 heterozygote.